The following is an entry in ClinVar:

ClinVar aggregate classification (germline): Likely benign. Review status: criteria provided, multiple submitters, no conflicts (2 of 4 stars). 4 submissions from 4 submitters: Likely benign (2). 2 of the submissions do not count toward it. Last evaluated 2024-10-21.

Conditions:
SACS-related disorder. Also called: SACS-related condition.
Spastic paraplegia. Identifiers: MedGen C0037772, HP:0001258.
Charlevoix-Saguenay spastic ataxia (SACS). Also called: SPASTIC ATAXIA 6, AUTOSOMAL RECESSIVE; AUTOSOMAL RECESSIVE SPASTIC ATAXIA OF CHARLEVOIX-SAGUENAY; Spastic ataxia of Charlevoix-Saguenay. Identifiers: Orphanet 98, MedGen C1849140, MONDO:0010041, OMIM 270550.

Allele frequency attached by ClinVar (database versions not stated): gnomAD exomes below 0.00001 and 0.00003; gnomAD 0.00002; TOPMed 0.00002; ExAC 0.00004.

Submissions (4):

Blueprint Genetics
Classification: Likely benign. Last evaluated: 2024-10-21. Review status: criteria provided, single submitter. Criteria: ACMG Guidelines, 2015. Collection method: clinical testing. Allele origin: germline.

Labcorp Genetics (formerly Invitae), Labcorp
Classification: Likely benign for Spastic paraplegia. Last evaluated: 2024-04-25. Review status: criteria provided, single submitter. Criteria: Invitae Variant Classification Sherloc (09022015). Collection method: clinical testing. Allele origin: germline.

Natera, Inc.
Classification: Likely benign for Charlevoix-Saguenay type spastic ataxia. Last evaluated: 2020-09-23. Review status: no assertion criteria provided. Collection method: clinical testing. Allele origin: germline. Not counted in ClinVar's aggregate classification.

PreventionGenetics, part of Exact Sciences
Classification: Likely benign for SACS-related condition. Last evaluated: 2019-05-23. Review status: no assertion criteria provided. Collection method: clinical testing. Allele origin: germline. Not counted in ClinVar's aggregate classification.
Comment: This variant is classified as likely benign based on ACMG/AMP sequence variant interpretation guidelines (Richards et al. 2015 PMID: 25741868, with internal and published modifications).

NM_014363.6(SACS):c.4878C>T (p.Gly1626=)

Gene: SACS (sacsin molecular chaperone; minus strand). Cytogenetic location: 13q12.12.
Variant type: single nucleotide variant.
Coding change: c.4878C>T on transcript NM_014363.6 (MANE Select); coding-DNA position 4878, C replaced by T.
Protein change: p.Gly1626=; no amino-acid change (glycine 1626 retained).
Molecular consequence: synonymous variant.
Genome position (GRCh38, 1-based): chr13:23,338,998, G>A on the plus strand (C>T on the coding strand, the complement: SACS is on the minus strand). VCF-style: chr13-23338998-G-A. GRCh37 (hg19) VCF-style: chr13-23913137-G-A.
Other names: c.4437C>T, p.Gly1479= (NM_001278055.2).
Identifiers: ClinVar variation 700597 (VCV000700597.13), dbSNP rs778664565, ClinGen allele CA6911334.